The following is an entry in ClinVar:

ClinVar aggregate classification (germline): Uncertain significance (1 of 4 stars; one submission).

Allele frequency attached by ClinVar (database versions not stated): ESP Exome Variant Server 0.00023; ExAC 0.00024; gnomAD exomes 0.00027; TOPMed 0.00033.
gnomAD v4.1: 344 of 1,613,360 alleles (0.021%); highest among the groups gnomAD compares: Non-Finnish European, 0.023%; no homozygotes.

Submission:

Labcorp Genetics (formerly Invitae), Labcorp
Classification: Uncertain significance. Last evaluated: 2025-12-15. Review status: criteria provided, single submitter. Criteria: Invitae Variant Classification Sherloc (09022015). Collection method: clinical testing. Allele origin: germline.
Comment: This sequence change replaces alanine, which is neutral and non-polar, with valine, which is neutral and non-polar, at codon 398 of the CCT2 protein (p.Ala398Val). This variant is present in population databases (rs201201152, gnomAD 0.1%), and has an allele count higher than expected for a pathogenic variant. This variant has not been reported in the literature in individuals affected with CCT2-related conditions. ClinVar contains an entry for this variant (Variation ID: 846608). An algorithm developed to predict the effect of missense changes on protein structure and function (PolyPhen-2) suggests that this variant is likely to be tolerated. In summary, the available evidence is currently insufficient to determine the role of this variant in disease. Therefore, it has been classified as a Variant of Uncertain Significance.

NM_006431.3(CCT2):c.1193C>T (p.Ala398Val)

Gene: CCT2 (chaperonin containing TCP1 subunit 2; plus strand). Cytogenetic location: 12q15.
Variant type: single nucleotide variant.
Coding change: c.1193C>T on transcript NM_006431.3 (MANE Select); coding-DNA position 1193, C replaced by T.
Protein change: p.Ala398Val; replaces alanine 398 with valine.
Molecular consequence: missense variant.
Genome position (GRCh38, 1-based): chr12:69,597,728, C>T. VCF-style: chr12-69597728-C-T. GRCh37 (hg19) VCF-style: chr12-69991508-C-T.
Other names: c.1052C>T, p.Ala351Val (NM_001198842.2); short protein forms A351V, A398V.
Identifiers: ClinVar variation 846608 (VCV000846608.7), dbSNP rs201201152, ClinGen allele CA6680790.
Genomic context (GRCh38, chr12:69,597,728, plus strand): 5'-CCACTCAACAAATTTTAGATGAAGCAGAAAGATCATTGCATGATGCTCTTTGTGTTCTTG[C>T]GCAAACTGTAAAGGACTCTAGAACAGTTTATGGAGGAGGTAAGCATTTAGAAAATGTTGA-3'
Protein context (NP_006422.1, residues 388-408): RSLHDALCVL[Ala398Val]QTVKDSRTVY